The following is an entry in ClinVar:

ClinVar aggregate classification (germline): Pathogenic (1 of 4 stars; one submission).

Conditions:
Retinoblastoma (RB1). Also called: RETINOBLASTOMA, SOMATIC. Identifiers: Orphanet 790, MedGen C0035335, MeSH D012175, MONDO:0008380, OMIM 180200, HP:0009919. Disease mechanism: loss of function. Inheritance: Both sporadic and heritable forms are tested..

Submission:

Genetic Diagnostic Laboratory, University of Pennsylvania School of Medicine
Classification: Pathogenic for Retinoblastoma. Last evaluated: 2024-05-20. Review status: criteria provided, single submitter. Criteria: ACMG Guidelines, 2015. Collection method: clinical testing. Allele origin: germline. Affected: yes. Observed: 1 variant allele.
Comment: Case and Pedigree Information: BILATERAL CASES:0, UNILATERAL CASES:1, TOTAL CASES:1, PEDIGREES:1. ACMG Codes Applied:PVS1, PM2

NM_000321.3(RB1):c.52_80del (p.Ala18fs)

Gene: RB1 (RB transcriptional corepressor 1; plus strand). Cytogenetic location: 13q14.2.
Variant type: Deletion.
Coding change: c.52_80del on transcript NM_000321.3 (MANE Select); coding-DNA positions 52 to 80, 29 bases deleted (GCGGAACCCCCGGCACCGCCGCCGCCGCC).
Protein change: p.Ala18fs; shifts the reading frame from alanine 18.
Molecular consequence: frameshift variant.
Genome position (GRCh38, 1-based): chr13:48,303,964-48,303,992, GCGGAACCCCCGGCACCGCCGCCGCCGCC deleted; deleting any 29 consecutive bases within chr13:48,303,958-48,303,992 gives the same sequence; the c. name uses the placement nearest the transcript's 3' end. VCF-style (leftmost placement, unchanged base first): chr13-48303957-TGCCGCCGCGGAACCCCCGGCACCGCCGCC-T. GRCh37 (hg19) VCF-style: chr13-48878093-TGCCGCCGCGGAACCCCCGGCACCGCCGCC-T.
Other names: c.52_80del, p.Ala18fs (NM_001407165.1, NM_001407166.1, NM_001407167.1); short protein forms A18fs.
Identifiers: ClinVar variation 3237001 (VCV003237001.1), dbSNP rs2542093585.
Genomic context (GRCh38, chr13:48,303,957, plus strand): 5'-GCCGCGGAAAGGCGTCATGCCGCCCAAAACCCCCCGAAAAACGGCCGCCACCGCCGCCGC[TGCCGCCGCGGAACCCCCGGCACCGCCGCC>T]GCCGCCCCCTCCTGAGGAGGACCCAGAGCAGGACAGCGGCCCGGAGGACCTGCCTCTCGT-3'